The following is an entry in ClinVar:

ClinVar aggregate classification (germline): Uncertain significance (1 of 4 stars; one submission).

Allele frequency attached by ClinVar (database versions not stated): gnomAD exomes 0.00001; TOPMed 0.00002; gnomAD 0.00002; ESP Exome Variant Server 0.00008.
gnomAD v4.1: 18 of 1,613,934 alleles (0.0011%); highest among the groups gnomAD compares: African/African-American, 0.004%; no homozygotes.

Submission:

Labcorp Genetics (formerly Invitae), Labcorp
Classification: Uncertain significance. Last evaluated: 2025-07-20. Review status: criteria provided, single submitter. Criteria: Invitae Variant Classification Sherloc (09022015). Collection method: clinical testing. Allele origin: germline.
Comment: This sequence change replaces arginine, which is basic and polar, with cysteine, which is neutral and slightly polar, at codon 351 of the CLUAP1 protein (p.Arg351Cys). This variant is present in population databases (rs374440258, gnomAD 0.01%). This variant has not been reported in the literature in individuals affected with CLUAP1-related conditions. ClinVar contains an entry for this variant (Variation ID: 2104008). Invitae Evidence Modeling of protein sequence and biophysical properties (such as structural, functional, and spatial information, amino acid conservation, physicochemical variation, residue mobility, and thermodynamic stability) indicates that this missense variant is not expected to disrupt CLUAP1 protein function with a negative predictive value of 80%. In summary, the available evidence is currently insufficient to determine the role of this variant in disease. Therefore, it has been classified as a Variant of Uncertain Significance.

NM_015041.3(CLUAP1):c.1051C>T (p.Arg351Cys)

Gene: CLUAP1 (clusterin associated protein 1; plus strand). Cytogenetic location: 16p13.3.
Variant type: single nucleotide variant.
Coding change: c.1051C>T on transcript NM_015041.3 (MANE Select); coding-DNA position 1051, C replaced by T.
Protein change: p.Arg351Cys; replaces arginine 351 with cysteine.
Molecular consequence: missense variant.
Genome position (GRCh38, 1-based): chr16:3,532,800, C>T. VCF-style: chr16-3532800-C-T. GRCh37 (hg19) VCF-style: chr16-3582800-C-T.
Other names: c.1051C>T, p.Arg351Cys (NM_001330454.2); c.553C>T, p.Arg185Cys (NM_024793.3); short protein forms R185C, R351C.
Identifiers: ClinVar variation 2104008 (VCV002104008.4), dbSNP rs374440258, ClinGen allele CA276945128.